The following is an entry in ClinVar:

NM_003194.5(TBP):c.246G>A (p.Gln82=)

Genes: TBP (TATA-box binding protein; plus strand), LOC108663996 (TATA-box binding protein repeat instability region; plus strand). Cytogenetic location: 6q27.
Variant type: single nucleotide variant.
Coding change: c.246G>A on transcript NM_003194.5 (MANE Select); coding-DNA position 246, G replaced by A.
Protein change: p.Gln82=; no amino-acid change (glutamine 82 retained).
Molecular consequence: synonymous variant.
Genome position (GRCh38, 1-based): chr6:170,561,982, G>A. VCF-style: chr6-170561982-G-A. GRCh37 (hg19) VCF-style: chr6-170871070-G-A.
Other names: c.186G>A, p.Gln62= (NM_001172085.2).
Identifiers: ClinVar variation 4871935 (VCV004871935.2).

ClinVar aggregate classification (germline): Likely benign (1 of 4 stars; one submission).

gnomAD v4.1: 63 of 1,549,392 alleles (0.0041%); highest among the groups gnomAD compares: South Asian, 0.0069%; no homozygotes.

Submission:

CeGaT Center for Human Genetics Tuebingen
Classification: Likely benign. Last evaluated: 2026-07-01. Review status: criteria provided, single submitter. Criteria: CeGaT Center For Human Genetics Tuebingen Variant Classification Criteria Version 2. Collection method: clinical testing. Allele origin: germline. Affected: yes. Observed: 3 variant alleles.
Comment: TBP: BP4, BP7